The following is an entry in ClinVar:

ClinVar aggregate classification (germline): Pathogenic/Likely pathogenic. Review status: criteria provided, multiple submitters, no conflicts (2 of 4 stars). 4 submissions from 4 submitters: Pathogenic (1); Likely pathogenic (2). 1 of the submissions does not count toward it. Last evaluated 2025-12-30.

Conditions:
Glycine encephalopathy. Also called: Nonketotic hyperglycinemia; Non-ketotic hyperglycinemia. Identifiers: Orphanet 407, MedGen C0751748, MONDO:0011612, HP:0008288.

Allele frequency attached by ClinVar (database versions not stated): gnomAD exomes below 0.00001; TOPMed 0.00001.
gnomAD v4.1: 3 of 1,614,168 alleles (0.00019%); highest among the groups gnomAD compares: Non-Finnish European, 0.00025%; no homozygotes.

Submissions (4):

Natera, Inc.
Classification: Likely pathogenic for Non-ketotic hyperglycinemia. Last evaluated: 2025-12-30. Review status: criteria provided, single submitter. Criteria: Natera Variant Classification Schema (03/2026). Collection method: clinical testing. Allele origin: germline.
Comment: The c.1952A>G variant in GLDC is a missense variant predicted to cause substitution of histidine to arginine at amino acid 651. This variant is rare in the general population with a frequency below the threshold expected for the associated phenotype(s). This variant has been observed in one or more individuals affected with the associated recessive disease, as either homozygous or compound heterozygous with a second variant (PMID: 35357708, 27362913, 25231368, 36471344). Computational prediction algorithms indicate this variant is likely to affect gene or protein function. Given the available evidence, this variant is classified as Likely Pathogenic.

Labcorp Genetics (formerly Invitae), Labcorp
Classification: Pathogenic for Glycine encephalopathy. Last evaluated: 2025-01-23. Review status: criteria provided, single submitter. Criteria: Invitae Variant Classification Sherloc (09022015). Collection method: clinical testing. Allele origin: germline.
Comment: This sequence change replaces histidine, which is basic and polar, with arginine, which is basic and polar, at codon 651 of the GLDC protein (p.His651Arg). This variant is not present in population databases (gnomAD no frequency). This missense change has been observed in individual(s) with GLDC-related conditions (PMID: 27362913). ClinVar contains an entry for this variant (Variation ID: 56055). Invitae Evidence Modeling of protein sequence and biophysical properties (such as structural, functional, and spatial information, amino acid conservation, physicochemical variation, residue mobility, and thermodynamic stability) indicates that this missense variant is expected to disrupt GLDC protein function with a positive predictive value of 95%. For these reasons, this variant has been classified as Pathogenic.

GeneDx
Classification: Likely pathogenic. Last evaluated: 2017-10-12. Review status: criteria provided, single submitter. Criteria: GeneDx Variant Classification (06012015). Collection method: clinical testing. Allele origin: germline. Affected: yes.
Comment: The H651R variant in the GLDC gene has been reported previously in association with autosomal recessive nonketotic hyperglycinemia when present in the homozygous state as well as in the heterozygous state in the presence of another nonketotic hyperglycinemia pathogenic gene variant (Conter et al., 2006; Azize et al., 2014). The H651R variant was not observed in approximately 6500 individuals of European and African American ancestry in the NHLBI Exome Sequencing Project, indicating it is not a common benign variant in these populations. The H651R variant is a conservative amino acid substitution, which is not likely to impact secondary protein structure as these residues share similar properties. This substitution occurs at a position that is conserved across species and in silico analysis predicts this variant is probably damaging to the protein structure/function. The H651R variant is a strong candidate for a pathogenic variant.

Juha Muilu Group; Institute for Molecular Medicine Finland (FIMM)
Classification: Likely pathogenic for Non-ketotic hyperglycinemia. Review status: no assertion criteria provided. Collection method: not provided. Allele origin: unknown. Not counted in ClinVar's aggregate classification.
Comment: FinDis database variant: This variant was not found or characterized by our laboratory, data were collected from public sources: see reference
ClinVar note: Converted during submission from probable-pathogenic to Likely pathogenic.

Literature cited by the submitters: PubMed 35357708 (cited by Natera, Inc.); PubMed 27362913 (cited by Natera, Inc. and Labcorp Genetics (formerly Invitae), Labcorp); PubMed 25231368 (cited by Natera, Inc.); PubMed 36471344 (cited by Natera, Inc.).

NM_000170.3(GLDC):c.1952A>G (p.His651Arg)

Gene: GLDC (glycine decarboxylase; minus strand). Cytogenetic location: 9p24.1.
Variant type: single nucleotide variant.
Coding change: c.1952A>G on transcript NM_000170.3 (MANE Select); coding-DNA position 1952, A replaced by G.
Protein change: p.His651Arg; replaces histidine 651 with arginine.
Molecular consequence: missense variant.
Genome position (GRCh38, 1-based): chr9:6,558,659, T>C on the plus strand (A>G on the coding strand, the complement: GLDC is on the minus strand). VCF-style: chr9-6558659-T-C. GRCh37 (hg19) VCF-style: chr9-6558659-T-C.
Other names: short protein forms H651R.
Identifiers: ClinVar variation 56055 (VCV000056055.7), dbSNP rs386833536, ClinGen allele CA263322.
Genomic context (GRCh38, chr9:6,558,659, plus strand): 5'-TCCACCTCCACAGGCTGAATCTTCATGCCTGCCATGTGGGCACTTGCTGGGTTGGTCCCA[T>C]GTGCTGATTTCGGAATGAGGCAAACCTACAGAATAGAAAGGAAGCAAAGAAAGAGCAAAA-3'
Protein context (NP_000161.2, residues 641-661): RTVCLIPKSA[His651Arg]GTNPASAHMA